The following is an entry in ClinVar:

NM_144599.5(NIPA1):c.440_441inv (p.Thr147Met)

Gene: NIPA1 (NIPA magnesium transporter 1; plus strand). Cytogenetic location: 15q11.2.
Variant type: Inversion.
Coding change: c.440_441inv on transcript NM_144599.5 (MANE Select).
Protein change: p.Thr147Met; replaces threonine 147 with methionine.
Molecular consequence: missense variant.
Genome position: GRCh38 VCF-style: chr15-22820435-CA-TG. GRCh37 (hg19) VCF-style: chr15-23052632-TG-CA.
Other names: c.215_216inv, p.Thr72Met (NM_001142275.1); short protein forms T72M, T147M.
Identifiers: ClinVar variation 4710436 (VCV004710436.1).

ClinVar aggregate classification (germline): Uncertain significance (1 of 4 stars; one submission).

Conditions:
Hereditary spastic paraplegia 6 (SPG6). Also called: SPASTIC PARAPLEGIA 6, AUTOSOMAL DOMINANT. Identifiers: Orphanet 100988, MedGen C1838192, MONDO:0010878, OMIM 600363.

Submission:

Labcorp Genetics (formerly Invitae), Labcorp
Classification: Uncertain significance for Hereditary spastic paraplegia 6. Last evaluated: 2025-12-24. Review status: criteria provided, single submitter. Criteria: Invitae Variant Classification Sherloc (09022015). Collection method: clinical testing. Allele origin: germline.
Comment: This sequence change replaces threonine, which is neutral and polar, with methionine, which is neutral and non-polar, at codon 147 of the NIPA1 protein (p.Thr147Met). The frequency data for this variant in the population databases is considered unreliable, as metrics indicate poor data quality at this position in the gnomAD database. This variant has not been reported in the literature in individuals affected with NIPA1-related conditions. An algorithm developed to predict the effect of missense changes on protein structure and function (PolyPhen-2) suggests that this variant is likely to be disruptive. In summary, the available evidence is currently insufficient to determine the role of this variant in disease. Therefore, it has been classified as a Variant of Uncertain Significance.